The following is an entry in ClinVar:

NM_001457.4(FLNB):c.7579G>A (p.Val2527Met)

Genes: FLNB (filamin B; plus strand), FLNB-AS1 (FLNB antisense RNA 1; minus strand). Cytogenetic location: 3p14.3.
Variant type: single nucleotide variant.
Coding change: c.7579G>A on transcript NM_001457.4 (MANE Select); coding-DNA position 7579, G replaced by A.
Protein change: p.Val2527Met; replaces valine 2527 with methionine.
Molecular consequence: missense variant.
Genome position (GRCh38, 1-based): chr3:58,169,751, G>A. VCF-style: chr3-58169751-G-A. GRCh37 (hg19) VCF-style: chr3-58155478-G-A.
Other names: c.7672G>A, p.Val2558Met (NM_001164317.2); c.7546G>A, p.Val2516Met (NM_001164318.2); c.7507G>A, p.Val2503Met (NM_001164319.2); short protein forms V2516M, V2527M, V2503M, V2558M.
Identifiers: ClinVar variation 2721773 (VCV002721773.3), dbSNP rs776041549, ClinGen allele CA2469727.

ClinVar aggregate classification (germline): Uncertain significance (1 of 4 stars; one submission).

Allele frequency attached by ClinVar (database versions not stated): ExAC 0.00001.
gnomAD v4.1: 17 of 1,613,346 alleles (0.0011%); highest among the groups gnomAD compares: Non-Finnish European, 0.0014%; no homozygotes.

Submission:

Labcorp Genetics (formerly Invitae), Labcorp
Classification: Uncertain significance. Last evaluated: 2023-02-14. Review status: criteria provided, single submitter. Criteria: Invitae Variant Classification Sherloc (09022015). Collection method: clinical testing. Allele origin: germline.
Comment: This sequence change replaces valine, which is neutral and non-polar, with methionine, which is neutral and non-polar, at codon 2527 of the FLNB protein (p.Val2527Met). In summary, the available evidence is currently insufficient to determine the role of this variant in disease. Therefore, it has been classified as a Variant of Uncertain Significance. Advanced modeling of protein sequence and biophysical properties (such as structural, functional, and spatial information, amino acid conservation, physicochemical variation, residue mobility, and thermodynamic stability) performed at Invitae indicates that this missense variant is not expected to disrupt FLNB protein function. This variant has not been reported in the literature in individuals affected with FLNB-related conditions. This variant is present in population databases (rs776041549, gnomAD 0.003%).